The following is an entry in ClinVar:

NM_017934.7(PHIP):c.574G>C (p.Asp192His)

Gene: PHIP (PHIP subunit of CUL4-Ring ligase complex; minus strand). Cytogenetic location: 6q14.1.
Variant type: single nucleotide variant.
Coding change: c.574G>C on transcript NM_017934.7 (MANE Select); coding-DNA position 574, G replaced by C.
Protein change: p.Asp192His; replaces aspartic acid 192 with histidine.
Molecular consequence: missense variant.
Genome position (GRCh38, 1-based): chr6:79,042,869, C>G on the plus strand (G>C on the coding strand, the complement: PHIP is on the minus strand). VCF-style: chr6-79042869-C-G. GRCh37 (hg19) VCF-style: chr6-79752586-C-G.
Other names: c.574G>C (NM_017934.6); short protein forms D192H.
Identifiers: ClinVar variation 3573626 (VCV003573626.2).

ClinVar aggregate classification (germline): Uncertain significance. Review status: criteria provided, multiple submitters, no conflicts (2 of 4 stars). 2 submissions from 2 submitters: Uncertain significance (2). Last evaluated 2025-03-06.

Conditions:
PHIP-related disorder. Also called: PHIP-related condition; PHIP-related disorders.

Submissions (2):

PreventionGenetics, part of Exact Sciences
Classification: Uncertain significance for PHIP-related condition. Last evaluated: 2025-03-06. Review status: criteria provided, single submitter. Criteria: ACMG Guidelines, 2015. Collection method: clinical testing. Allele origin: germline.
Comment: The PHIP c.574G>C variant is predicted to result in the amino acid substitution p.Asp192His. To our knowledge, this variant has not been reported in the literature or in a large population database (gnomAD), indicating this variant is rare. At this time, the clinical significance of this variant is uncertain due to the absence of conclusive functional and genetic evidence.

GeneDx
Classification: Uncertain significance. Last evaluated: 2024-07-18. Review status: criteria provided, single submitter. Criteria: GeneDx Variant Classification Process June 2021. Collection method: clinical testing. Allele origin: germline. Affected: yes.
Comment: Not observed at significant frequency in large population cohorts (gnomAD); In silico analysis supports that this missense variant has a deleterious effect on protein structure/function; Has not been previously published as pathogenic or benign to our knowledge